The following is an entry in ClinVar:

NM_020834.3(HOMEZ):c.456G>A (p.Val152=)

Gene: HOMEZ (homeobox and leucine zipper encoding; minus strand). Cytogenetic location: 14q11.2.
Variant type: single nucleotide variant.
Coding change: c.456G>A on transcript NM_020834.3 (MANE Select); coding-DNA position 456, G replaced by A.
Protein change: p.Val152=; no amino-acid change (valine 152 retained).
Molecular consequence: synonymous variant.
Genome position (GRCh38, 1-based): chr14:23,276,772, C>T on the plus strand (G>A on the coding strand, the complement: HOMEZ is on the minus strand). VCF-style: chr14-23276772-C-T. GRCh37 (hg19) VCF-style: chr14-23745981-C-T.
Other names: c.384G>A, p.Val128= (NM_001010849.1).
Identifiers: ClinVar variation 2644091 (VCV002644091.24), dbSNP rs2140502279, ClinGen allele CA485760695.
Genomic context (GRCh38, chr14:23,276,772, plus strand): 5'-AAGAGTTGGAGGACCTATTCCAATACCAACTTGCTCTGGAGCTGGCACTGGAGGAGGAGG[C>T]ACCTCCTCTGGGGGCCGTCCCGCATGATGAGTAAAAGAGAGAAGGGATTTGAAATGGAGT-3'
Protein context (NP_065885.2, residues 142-162): THHAGRPPEE[Val152=]PPPPVPAPEQ

ClinVar aggregate classification (germline): Likely benign (1 of 4 stars; one submission).

Allele frequency attached by ClinVar (database versions not stated): gnomAD exomes below 0.00001.
gnomAD v4.1: 2 of 1,614,022 alleles (0.00012%); highest among the groups gnomAD compares: East Asian, 0.0022%; no homozygotes.

Submission:

CeGaT Center for Human Genetics Tuebingen
Classification: Likely benign. Last evaluated: 2022-10-01. Review status: criteria provided, single submitter. Criteria: CeGaT Center For Human Genetics Tuebingen Variant Classification Criteria Version 2. Collection method: clinical testing. Allele origin: germline. Affected: yes. Observed: 1 variant allele.
Comment: HOMEZ: PM2:Supporting, BP4, BP7